The following is an entry in ClinVar:

ClinVar aggregate classification (germline): Uncertain significance. Review status: criteria provided, multiple submitters, no conflicts (2 of 4 stars). 5 submissions from 5 submitters: Uncertain significance (5). Last evaluated 2025-12-29.

Conditions:
APC-related disorder. Also called: APC-related condition.
Hereditary cancer-predisposing syndrome. Also called: Neoplastic Syndromes, Hereditary; Tumor predisposition; Hereditary Cancer Syndrome; Hereditary neoplastic syndrome. Identifiers: Orphanet 140162, MedGen C0027672, MeSH D009386, MONDO:0015356.
Familial adenomatous polyposis 1 (FAP1). Also called: FAMILIAL ADENOMATOUS POLYPOSIS 1, ATTENUATED; POLYPOSIS, ADENOMATOUS INTESTINAL. Identifiers: MedGen C2713442, MONDO:0021056, OMIM 175100. Disease mechanism: loss of function.

Allele frequency attached by ClinVar (database versions not stated): gnomAD 0.00001; gnomAD exomes 0.00001.
gnomAD v4.1: 13 of 1,613,628 alleles (0.00081%); highest among the groups gnomAD compares: Non-Finnish European, 0.0011%; no homozygotes.

Submissions (5):

Center for Genomic Medicine, Rigshospitalet, Copenhagen University Hospital
Classification: Uncertain significance. Last evaluated: 2025-12-29. Review status: criteria provided, single submitter. Criteria: ACMG Guidelines, 2015. Collection method: clinical testing. Allele origin: germline.
Comment: Classification criteria: BP1

Labcorp Genetics (formerly Invitae), Labcorp
Classification: Uncertain significance for Familial adenomatous polyposis 1. Last evaluated: 2025-02-20. Review status: criteria provided, single submitter. Criteria: Invitae Variant Classification Sherloc (09022015). Collection method: clinical testing. Allele origin: germline.
Comment: This sequence change replaces glutamic acid, which is acidic and polar, with glutamine, which is neutral and polar, at codon 26 of the APC protein (p.Glu26Gln). This variant is not present in population databases (gnomAD no frequency). This variant has not been reported in the literature in individuals affected with APC-related conditions. ClinVar contains an entry for this variant (Variation ID: 482407). Invitae Evidence Modeling of protein sequence and biophysical properties (such as structural, functional, and spatial information, amino acid conservation, physicochemical variation, residue mobility, and thermodynamic stability) indicates that this missense variant is not expected to disrupt APC protein function with a negative predictive value of 95%. In summary, the available evidence is currently insufficient to determine the role of this variant in disease. Therefore, it has been classified as a Variant of Uncertain Significance.

Ambry Genetics
Classification: Uncertain significance for Hereditary cancer-predisposing syndrome. Last evaluated: 2024-04-14. Review status: criteria provided, single submitter. Criteria: Ambry Variant Classification Scheme 2023. Collection method: clinical testing. Allele origin: germline.
Comment: The p.E26Q variant (also known as c.76G>C), located in coding exon 1 of the APC gene, results from a G to C substitution at nucleotide position 76. The glutamic acid at codon 26 is replaced by glutamine, an amino acid with highly similar properties. This amino acid position is highly conserved in available vertebrate species. In addition, in silico predictors for this gene do not accurately predict pathogenicity. Since supporting evidence is limited at this time, the clinical significance of this alteration remains unclear.

PreventionGenetics, part of Exact Sciences
Classification: Uncertain significance for APC-related condition. Last evaluated: 2023-05-23. Review status: criteria provided, single submitter. Criteria: ACMG Guidelines, 2015. Collection method: clinical testing. Allele origin: germline.
Comment: The APC c.76G>C variant is predicted to result in the amino acid substitution p.Glu26Gln. To our knowledge, this variant has not been reported in the literature or in a large population database, indicating this variant is rare. It is interpreted as uncertain significance in ClinVar. At this time, the clinical significance of this variant is uncertain due to the absence of conclusive functional and genetic evidence.

Color Diagnostics, LLC DBA Color Health
Classification: Uncertain significance for Hereditary cancer-predisposing syndrome. Last evaluated: 2019-02-09. Review status: criteria provided, single submitter. Criteria: ACMG Guidelines, 2015. Collection method: clinical testing. Allele origin: germline.

NM_000038.6(APC):c.76G>C (p.Glu26Gln)

Gene: APC (APC regulator of Wnt signaling pathway; plus strand). Cytogenetic location: 5q22.2.
Variant type: single nucleotide variant.
Coding change: c.76G>C on transcript NM_000038.6 (MANE Select); coding-DNA position 76, G replaced by C.
Protein change: p.Glu26Gln; replaces glutamic acid 26 with glutamine.
Molecular consequence: missense variant. On other transcripts: 5 prime UTR variant (1), intron variant (8).
Genome position (GRCh38, 1-based): chr5:112,754,966, G>C. VCF-style: chr5-112754966-G-C. GRCh37 (hg19) VCF-style: chr5-112090663-G-C.
Other names: c.76G>C, p.Glu26Gln (NM_001127510.3, NM_001354895.2, NM_001354896.2 and 2 more transcripts); c.-960G>C (NM_001354906.2); c.166-11360G>C (NM_001354897.2, NM_001354902.2, NM_001127511.3); c.61-11360G>C (NM_001354898.2, NM_001354904.2); c.-42-11360G>C (NM_001354900.2, NM_001354901.2, NM_001354905.2); short protein forms E26Q.
Identifiers: ClinVar variation 482407 (VCV000482407.22), dbSNP rs1554067127, ClinGen allele CA16021503.